The following is an entry in ClinVar:

ClinVar aggregate classification (germline): Uncertain significance (1 of 4 stars; one submission).

Conditions:
Long QT syndrome (LQTS). Identifiers: MedGen C0023976, MeSH D008133, MONDO:0002442. Disease mechanism: loss of function. Inheritance: Various modes of inheritance.

gnomAD v4.1: 3 of 1,614,230 alleles (0.00019%); highest among the groups gnomAD compares: South Asian, 0.0011%; no homozygotes.

Submission:

All of Us Research Program, National Institutes of Health
Classification: Uncertain significance for Long QT syndrome. Last evaluated: 2024-08-06. Review status: criteria provided, single submitter. Criteria: ACMG Guidelines, 2015. Collection method: clinical testing. Allele origin: germline. Inheritance: Autosomal dominant inheritance. Observed: 1 variant allele, 1 heterozygote.
Comment: This study involves interpretation of variants in research participants for the purpose of population health screening. Participant phenotype was not available at the time of variant classification. Additional details can be found in publication PMID: 35346344, PMCID: PMC8962531

NM_000218.3(KCNQ1):c.1445C>A (p.Thr482Asn)

Genes: KCNQ1 (potassium voltage-gated channel subfamily Q member 1; plus strand), KCNQ1OT1 (KCNQ1 opposite strand/antisense transcript 1; minus strand). Cytogenetic location: 11p15.5.
Variant type: single nucleotide variant.
Coding change: c.1445C>A on transcript NM_000218.3 (MANE Select); coding-DNA position 1445, C replaced by A.
Protein change: p.Thr482Asn; replaces threonine 482 with asparagine.
Molecular consequence: missense variant. On other transcripts: non-coding transcript variant (1).
Genome position (GRCh38, 1-based): chr11:2,662,012, C>A. VCF-style: chr11-2662012-C-A. GRCh37 (hg19) VCF-style: chr11-2683242-C-A.
Other names: c.1349C>A, p.Thr450Asn (NM_001406836.1); c.1175C>A, p.Thr392Asn (NM_001406837.1); c.905C>A, p.Thr302Asn (NM_001406838.1); c.1064C>A, p.Thr355Asn (NM_181798.2); short protein forms T302N, T355N, T392N, T450N, T482N.
Identifiers: ClinVar variation 3386940 (VCV003386940.1).